The following is an entry in ClinVar:

ClinVar aggregate classification (germline): Uncertain significance (1 of 4 stars; one submission).

Allele frequency attached by ClinVar (database versions not stated): TOPMed below 0.00001; gnomAD 0.00001; ESP Exome Variant Server 0.00008.
gnomAD v4.1: 1 of 1,613,396 alleles (0.000062%); highest among the groups gnomAD compares: African/African-American, 0.0013%; no homozygotes.

Submission:

Women's Health and Genetics/Laboratory Corporation of America, LabCorp
Classification: Uncertain significance. Last evaluated: 2023-10-23. Review status: criteria provided, single submitter. Criteria: LabCorp Variant Classification Summary - May 2015. Collection method: clinical testing. Allele origin: germline.
Comment: Variant summary: VWF c.5797C>T (p.Pro1933Ser) results in a non-conservative amino acid change in the encoded protein sequence. Three of five in-silico tools predict a damaging effect of the variant on protein function. The variant was absent in 248818 control chromosomes. The available data on variant occurrences in the general population are insufficient to allow any conclusion about variant significance. To our knowledge, no occurrence of c.5797C>T in individuals affected with Von Willebrand Disease and no experimental evidence demonstrating its impact on protein function have been reported. No submitters have cited clinical-significance assessments for this variant to ClinVar after 2014. Based on the evidence outlined above, the variant was classified as uncertain significance.

NM_000552.5(VWF):c.5797C>T (p.Pro1933Ser)

Gene: VWF (von Willebrand factor; minus strand). Cytogenetic location: 12p13.31.
Variant type: single nucleotide variant.
Coding change: c.5797C>T on transcript NM_000552.5 (MANE Select); coding-DNA position 5797, C replaced by T.
Protein change: p.Pro1933Ser; replaces proline 1933 with serine.
Molecular consequence: missense variant.
Genome position (GRCh38, 1-based): chr12:6,011,662, G>A on the plus strand (C>T on the coding strand, the complement: VWF is on the minus strand). VCF-style: chr12-6011662-G-A. GRCh37 (hg19) VCF-style: chr12-6120828-G-A.
Other names: short protein forms P1933S.
Identifiers: ClinVar variation 2637860 (VCV002637860.1), dbSNP rs372572865, ClinGen allele CA232292896.